The following is an entry in ClinVar:

ClinVar aggregate classification (germline): Uncertain significance (1 of 4 stars; one submission).

gnomAD v4.1: 3 of 1,614,026 alleles (0.00019%); highest among the groups gnomAD compares: Non-Finnish European, 0.00025%; no homozygotes.

Submission:

Labcorp Genetics (formerly Invitae), Labcorp
Classification: Uncertain significance. Last evaluated: 2021-07-24. Review status: criteria provided, single submitter. Criteria: Invitae Variant Classification Sherloc (09022015). Collection method: clinical testing. Allele origin: germline.
Comment: This sequence change replaces leucine with valine at codon 424 of the SMARCD2 protein (p.Leu424Val). The leucine residue is highly conserved and there is a small physicochemical difference between leucine and valine. In summary, the available evidence is currently insufficient to determine the role of this variant in disease. Therefore, it has been classified as a Variant of Uncertain Significance. Algorithms developed to predict the effect of missense changes on protein structure and function are either unavailable or do not agree on the potential impact of this missense change (SIFT: "Tolerated"; PolyPhen-2: "Probably Damaging"; Align-GVGD: "Class C0"). This variant has not been reported in the literature in individuals affected with SMARCD2-related conditions. This variant is not present in population databases (ExAC no frequency).

NM_001098426.2(SMARCD2):c.1270C>G (p.Leu424Val)

Gene: SMARCD2 (SWI/SNF related BAF chromatin remodeling complex subunit D2; minus strand). Cytogenetic location: 17q23.3.
Variant type: single nucleotide variant.
Coding change: c.1270C>G on transcript NM_001098426.2 (MANE Select); coding-DNA position 1270, C replaced by G.
Protein change: p.Leu424Val; replaces leucine 424 with valine.
Molecular consequence: missense variant.
Genome position (GRCh38, 1-based): chr17:63,833,634, G>C on the plus strand (C>G on the coding strand, the complement: SMARCD2 is on the minus strand). VCF-style: chr17-63833634-G-C. GRCh37 (hg19) VCF-style: chr17-61910994-G-C.
Other names: c.1045C>G, p.Leu349Val (NM_001330439.1); c.1126C>G, p.Leu376Val (NM_001330440.2); short protein forms L349V, L424V, L376V.
Identifiers: ClinVar variation 1519174 (VCV001519174.6), dbSNP rs1383027355, ClinGen allele CA400598753.